The following is an entry in ClinVar:

NM_020461.4(TUBGCP6):c.3200T>C (p.Val1067Ala)

Gene: TUBGCP6 (tubulin gamma complex component 6; minus strand). Cytogenetic location: 22q13.33.
Variant type: single nucleotide variant.
Coding change: c.3200T>C on transcript NM_020461.4 (MANE Select); coding-DNA position 3200, T replaced by C.
Protein change: p.Val1067Ala; replaces valine 1067 with alanine.
Molecular consequence: missense variant.
Genome position (GRCh38, 1-based): chr22:50,221,159, A>G on the plus strand (T>C on the coding strand, the complement: TUBGCP6 is on the minus strand). VCF-style: chr22-50221159-A-G. GRCh37 (hg19) VCF-style: chr22-50659588-A-G.
Other names: short protein forms V1067A.
Identifiers: ClinVar variation 1469108 (VCV001469108.8), dbSNP rs768909811, ClinGen allele CA10308020.
Genomic context (GRCh38, chr22:50,221,159, plus strand): 5'-CTGGCATTGGATACGTGTCCGTGGGTGTTCCACCGTGGCTGGGTGGGAGCCACATCTGAC[A>G]CATTCTCCCCGACCCTGATGCTGGCGTCAGACACGTGCCCGTGGGTGTTCCACCGTGGCC-3'
Protein context (NP_065194.3, residues 1057-1077): SDASIRVGEN[Val1067Ala]SDVAPTQPRW

ClinVar aggregate classification (germline): Uncertain significance (1 of 4 stars; one submission).

Allele frequency attached by ClinVar (database versions not stated): gnomAD 0.00001; ExAC 0.00003; gnomAD exomes 0.00003 and 0.00004.
gnomAD v4.1: 44 of 1,606,822 alleles (0.0027%); highest among the groups gnomAD compares: South Asian, 0.045%; 1 homozygote.

Submission:

Labcorp Genetics (formerly Invitae), Labcorp
Classification: Uncertain significance. Last evaluated: 2023-07-07. Review status: criteria provided, single submitter. Criteria: Invitae Variant Classification Sherloc (09022015). Collection method: clinical testing. Allele origin: germline.
Comment: This sequence change replaces valine, which is neutral and non-polar, with alanine, which is neutral and non-polar, at codon 1067 of the TUBGCP6 protein (p.Val1067Ala). This variant is present in population databases (rs768909811, gnomAD 0.03%). This variant has not been reported in the literature in individuals affected with TUBGCP6-related conditions. ClinVar contains an entry for this variant (Variation ID: 1469108). An algorithm developed to predict the effect of missense changes on protein structure and function (PolyPhen-2) suggests that this variant is likely to be tolerated. In summary, the available evidence is currently insufficient to determine the role of this variant in disease. Therefore, it has been classified as a Variant of Uncertain Significance.